The following is an entry in ClinVar:

ClinVar aggregate classification (germline): Uncertain significance (1 of 4 stars; one submission).

gnomAD v4.1: 178 of 1,613,324 alleles (0.011%); highest among the groups gnomAD compares: Non-Finnish European, 0.015%; no homozygotes.

Submission:

GeneDx
Classification: Uncertain significance. Last evaluated: 2023-12-18. Review status: criteria provided, single submitter. Criteria: GeneDx Variant Classification Process June 2021. Collection method: clinical testing. Allele origin: germline. Affected: yes.
Comment: Nonsense variant predicted to result in protein truncation as the last 375 amino acids are lost in a gene for which loss-of-function is not a known mechanism of disease; Has not been previously published as pathogenic or benign to our knowledge

NM_015721.3(GEMIN4):c.2050C>T (p.Arg684Ter)

Gene: GEMIN4 (gem nuclear organelle associated protein 4; minus strand). Cytogenetic location: 17p13.3.
Variant type: single nucleotide variant.
Coding change: c.2050C>T on transcript NM_015721.3 (MANE Select); coding-DNA position 2050, C replaced by T.
Protein change: p.Arg684Ter; replaces arginine 684 with a stop codon.
Molecular consequence: nonsense.
Genome position (GRCh38, 1-based): chr17:745,993, G>A on the plus strand (C>T on the coding strand, the complement: GEMIN4 is on the minus strand). VCF-style: chr17-745993-G-A. GRCh37 (hg19) VCF-style: chr17-649233-G-A.
Other names: short protein forms R684*.
Identifiers: ClinVar variation 3365884 (VCV003365884.1).
Genomic context (GRCh38, chr17:745,993, plus strand): 5'-GCTGGCACAAGCTGAAGAGGAGTGGAAACGGGGAGCAGGTCTGGAGCCAGTATTCCTCTC[G>A]GCACGCGTTTGCCTCTAGAGTCTGGATGAAGATCCTCAGACTGAGGTCTACCTCTTCAAC-3'